The following is an entry in ClinVar:

NM_003982.4(SLC7A7):c.998+4A>G

Gene: SLC7A7 (solute carrier family 7 member 7; minus strand). Cytogenetic location: 14q11.2.
Variant type: single nucleotide variant.
Coding change: c.998+4A>G on transcript NM_003982.4 (MANE Select); 4 bases into the intron after coding-DNA position 998, A replaced by G.
Molecular consequence: intron variant.
Genome position (GRCh38, 1-based): chr14:22,775,829, T>C on the plus strand (A>G on the coding strand, the complement: SLC7A7 is on the minus strand). VCF-style: chr14-22775829-T-C. GRCh37 (hg19) VCF-style: chr14-23245038-T-C.
Other names: c.998+4A>G (NM_001126106.4, NM_001126105.3).
Identifiers: ClinVar variation 3716393 (VCV003716393.2).

ClinVar aggregate classification (germline): Uncertain significance (1 of 4 stars; one submission).

Conditions:
Lysinuric protein intolerance (LPI). Identifiers: Orphanet 470, MedGen C0268647, MONDO:0009109, OMIM 222700.

gnomAD v4.1: 1 of 1,611,602 alleles (0.000062%); highest among the groups gnomAD compares: Non-Finnish European, 0.000085%; no homozygotes.

Submission:

Labcorp Genetics (formerly Invitae), Labcorp
Classification: Uncertain significance for Lysinuric protein intolerance. Last evaluated: 2025-01-14. Review status: criteria provided, single submitter. Criteria: Invitae Variant Classification Sherloc (09022015). Collection method: clinical testing. Allele origin: germline.
Comment: This sequence change falls in intron 7 of the SLC7A7 gene. It does not directly change the encoded amino acid sequence of the SLC7A7 protein. It affects a nucleotide within the consensus splice site. This variant is present in population databases (rs754387608, gnomAD 0.0009%). This variant has not been reported in the literature in individuals affected with SLC7A7-related conditions. Variants that disrupt the consensus splice site are a relatively common cause of aberrant splicing (PMID: 17576681, 9536098). Algorithms developed to predict the effect of sequence changes on RNA splicing suggest that this variant may disrupt the consensus splice site. In summary, the available evidence is currently insufficient to determine the role of this variant in disease. Therefore, it has been classified as a Variant of Uncertain Significance.

Literature cited by the submitters: PubMed 17576681; PubMed 9536098.